The following is an entry in ClinVar:

NM_006080.3(SEMA3A):c.1792A>G (p.Ser598Gly)

Gene: SEMA3A (semaphorin 3A; minus strand). Cytogenetic location: 7q21.11.
Variant type: single nucleotide variant.
Coding change: c.1792A>G on transcript NM_006080.3 (MANE Select); coding-DNA position 1792, A replaced by G.
Protein change: p.Ser598Gly; replaces serine 598 with glycine.
Molecular consequence: missense variant.
Genome position (GRCh38, 1-based): chr7:83,963,273, T>C on the plus strand (A>G on the coding strand, the complement: SEMA3A is on the minus strand). VCF-style: chr7-83963273-T-C. GRCh37 (hg19) VCF-style: chr7-83592589-T-C.
Other names: short protein forms S598G.
Identifiers: ClinVar variation 4982641 (VCV004982641.1).
Genomic context (GRCh38, chr7:83,963,273, plus strand): 5'-TTCGCTCTTCATTTCGCCTCTGGAATTGCCAATAGACCAGCGCTCTCTGCGACTTCGGAC[T>C]GCATTCCAAAAATGTGCTACTATTCTCTACACCATAGATGATTCTCTCTTCAGGGCTGTG-3'
Protein context (NP_006071.1, residues 588-608): VENSSTFLEC[Ser598Gly]PKSQRALVYW

ClinVar aggregate classification (germline): Uncertain significance (1 of 4 stars; one submission).

Conditions:
SEMA3A-related disorder. Also called: SEMA3A-related condition.

gnomAD v4.1: 23 of 1,613,828 alleles (0.0014%); highest among the groups gnomAD compares: Non-Finnish European, 0.0019%; no homozygotes.

Submission:

PreventionGenetics, part of Exact Sciences
Classification: Uncertain significance for SEMA3A-related condition. Last evaluated: 2026-06-16. Review status: criteria provided, single submitter. Criteria: ACMG Guidelines, 2015. Collection method: clinical testing. Allele origin: germline.
Comment: The SEMA3A c.1792A>G variant is predicted to result in the amino acid substitution p.Ser598Gly. This variant was reported in an individual with Hirschsprung disease (Luzón-Toro et al 2013. PubMed ID: 23372769); however, this gene-disease association is not well supported by additional evidence. This variant is reported in 0.0035% of alleles in individuals of European (Non-Finnish) descent in gnomAD. At this time, the clinical significance of this variant is uncertain due to the absence of conclusive functional and genetic evidence.